The following is an entry in ClinVar:

ClinVar aggregate classification (germline): Uncertain significance (1 of 4 stars; one submission).

Conditions:
HUWE1-related disorder. Also called: HUWE1-related condition.

gnomAD v4.1: 1 of 1,207,259 alleles (0.000083%); highest among the groups gnomAD compares: Non-Finnish European, 0.00011%; no homozygotes.

Submission:

PreventionGenetics, part of Exact Sciences
Classification: Uncertain significance for HUWE1-related condition. Last evaluated: 2022-11-07. Review status: criteria provided, single submitter. Criteria: ACMG Guidelines, 2015. Collection method: clinical testing. Allele origin: germline.
Comment: The HUWE1 c.10436G>A variant is predicted to result in the amino acid substitution p.Gly3479Asp. To our knowledge, this variant has not been reported in the literature or in a large population database, indicating this variant is rare. Although we suspect that this variant may be pathogenic, at this time, the clinical significance of this variant is uncertain due to the absence of conclusive functional and genetic evidence.

NM_031407.7(HUWE1):c.10436G>A (p.Gly3479Asp)

Gene: HUWE1 (HECT, UBA and WWE domain containing E3 ubiquitin protein ligase 1; minus strand). Cytogenetic location: Xp11.22.
Variant type: single nucleotide variant.
Coding change: c.10436G>A on transcript NM_031407.7 (MANE Select); coding-DNA position 10436, G replaced by A.
Protein change: p.Gly3479Asp; replaces glycine 3479 with aspartic acid.
Molecular consequence: missense variant.
Genome position (GRCh38, 1-based): chrX:53,547,873, C>T on the plus strand (G>A on the coding strand, the complement: HUWE1 is on the minus strand). VCF-style: chrX-53547873-C-T. GRCh37 (hg19) VCF-style: chrX-53574834-C-T.
Other names: short protein forms G3479D.
Identifiers: ClinVar variation 2628587 (VCV002628587.1), dbSNP rs2061614872, ClinGen allele CA413135622.
Genomic context (GRCh38, chrX:53,547,873, plus strand): 5'-GAGGCGGCAGTGGTGGTGGTGGTAGATGTGGTTGAGGTGGCAGTGGTGGTGGAGGAAGCA[C>T]CGCTGCCAGAATTAGCCTGTGCTTCTGACACCTTGTTTTCTGGGAGAGCAATTGAGATGA-3'
Protein context (NP_113584.3, residues 3469-3489): VSEAQANSGS[Gly3479Asp]ASSTTTATST